The following is an entry in ClinVar:

NM_001457.4(FLNB):c.580C>T (p.Pro194Ser)

Gene: FLNB (filamin B; plus strand). Cytogenetic location: 3p14.3.
Variant type: single nucleotide variant.
Coding change: c.580C>T on transcript NM_001457.4 (MANE Select); coding-DNA position 580, C replaced by T.
Protein change: p.Pro194Ser; replaces proline 194 with serine.
Molecular consequence: missense variant.
Genome position (GRCh38, 1-based): chr3:58,078,755, C>T. VCF-style: chr3-58078755-C-T. GRCh37 (hg19) VCF-style: chr3-58064482-C-T.
Other names: c.580C>T, p.Pro194Ser (NM_001164317.2, NM_001164318.2, NM_001164319.2); short protein forms P194S.
Identifiers: ClinVar variation 4769062 (VCV004769062.1).

ClinVar aggregate classification (germline): Uncertain significance (1 of 4 stars; one submission).

gnomAD v4.1: 3 of 1,613,932 alleles (0.00019%); highest among the groups gnomAD compares: Non-Finnish European, 0.00025%; no homozygotes.

Submission:

Labcorp Genetics (formerly Invitae), Labcorp
Classification: Uncertain significance. Last evaluated: 2025-12-27. Review status: criteria provided, single submitter. Criteria: Invitae Variant Classification Sherloc (09022015). Collection method: clinical testing. Allele origin: germline.
Comment: This sequence change replaces proline, which is neutral and non-polar, with serine, which is neutral and polar, at codon 194 of the FLNB protein (p.Pro194Ser). This variant is not present in population databases (gnomAD no frequency). This variant has not been reported in the literature in individuals affected with FLNB-related conditions. Invitae Evidence Modeling of protein sequence and biophysical properties (such as structural, functional, and spatial information, amino acid conservation, physicochemical variation, residue mobility, and thermodynamic stability) indicates that this missense variant is not expected to disrupt FLNB protein function with a negative predictive value of 80%. In summary, the available evidence is currently insufficient to determine the role of this variant in disease. Therefore, it has been classified as a Variant of Uncertain Significance.